The following is an entry in ClinVar:

NM_000186.4(CFH):c.1228A>G (p.Lys410Glu)

Gene: CFH (complement factor H; plus strand). Cytogenetic location: 1q31.3.
Variant type: single nucleotide variant.
Coding change: c.1228A>G on transcript NM_000186.4 (MANE Select); coding-DNA position 1228, A replaced by G.
Protein change: p.Lys410Glu; replaces lysine 410 with glutamic acid.
Molecular consequence: missense variant.
Genome position (GRCh38, 1-based): chr1:196,690,131, A>G. VCF-style: chr1-196690131-A-G. GRCh37 (hg19) VCF-style: chr1-196659261-A-G.
Other names: c.1228A>G, p.Lys410Glu (NM_001014975.3); short protein forms K410E.
Identifiers: ClinVar variation 4291377 (VCV004291377.1).
Genomic context (GRCh38, chr1:196,690,131, plus strand): 5'-TATTTTCCTTATTTGGAAAATGGATATAATCAAAATCATGGAAGAAAGTTTGTACAGGGT[A>G]AATCTATAGACGTTGCCTGCCATCCTGGCTACGCTCTTCCAAAAGCGCAGACCACAGTTA-3'
Protein context (NP_000177.2, residues 400-420): QNHGRKFVQG[Lys410Glu]SIDVACHPGY

ClinVar aggregate classification (germline): Uncertain significance (1 of 4 stars; one submission).

Conditions:
Atypical hemolytic-uremic syndrome. Identifiers: Orphanet 2134, MedGen C2931788, MONDO:0016244.
Basal laminar drusen. Also called: DRUSEN OF BRUCH MEMBRANE; DRUSEN, CUTICULAR; DRUSEN, EARLY ADULT-ONSET, GROUPED. Identifiers: Orphanet 75376, MedGen C0730295, MONDO:0007472, OMIM 126700.
Factor H deficiency (CFHD). Also called: COMPLEMENT FACTOR H DEFICIENCY; CFH DEFICIENCY. Identifiers: Orphanet 200421, MedGen C0398777, MONDO:0012350, OMIM 609814.
Age related macular degeneration 4. Identifiers: MedGen C1853147, MONDO:0012540, OMIM 610698.

Submission:

Genomenon, Inc
Classification: Uncertain significance for Basal laminar drusen; Age related macular degeneration 4; Atypical hemolytic-uremic syndrome; Factor H deficiency. Last evaluated: 2025-10-02. Review status: criteria provided, single submitter. Criteria: Genomenon Sequence Variant Interpretation Standards - Updated. Collection method: curation. Allele origin: germline. Affected: no.
Comment: CFH p.Lys410Glu (c.1228A>G) is a missense variant that changes the amino acid at residue 410 from Lysine to Glutamic acid. This variant has been reported in the published literature (PMID:26501415). It is absent or not present at a significant frequency in gnomAD. In silico models agree that this variant is not damaging. In conclusion, we classify CFH p.Lys410Glu (c.1228A>G) as a variant of uncertain significance.

Literature cited by the submitters: PubMed 26501415.